The following is an entry in ClinVar:

NM_006031.6(PCNT):c.6909G>C (p.Gln2303His)

Gene: PCNT (pericentrin; plus strand). Cytogenetic location: 21q22.3.
Variant type: single nucleotide variant.
Coding change: c.6909G>C on transcript NM_006031.6 (MANE Select); coding-DNA position 6909, G replaced by C.
Protein change: p.Gln2303His; replaces glutamine 2303 with histidine.
Molecular consequence: missense variant.
Genome position (GRCh38, 1-based): chr21:46,416,827, G>C. VCF-style: chr21-46416827-G-C. GRCh37 (hg19) VCF-style: chr21-47836741-G-C.
Other names: c.6555G>C, p.Gln2185His (NM_001315529.2); short protein forms Q2185H, Q2303H.
Identifiers: ClinVar variation 4998954 (VCV004998954.1).

ClinVar aggregate classification (germline): Uncertain significance (1 of 4 stars; one submission).

Conditions:
PCNT-related disorder. Also called: PCNT-related condition.

Submission:

PreventionGenetics, part of Exact Sciences
Classification: Uncertain significance for PCNT-related condition. Last evaluated: 2025-05-07. Review status: criteria provided, single submitter. Criteria: ACMG Guidelines, 2015. Collection method: clinical testing. Allele origin: germline.
Comment: The PCNT c.6909G>C variant is predicted to result in the amino acid substitution p.Gln2303His. To our knowledge, this variant has not been reported in the literature or in a large population database (gnomAD), indicating this variant is rare. At this time, the clinical significance of this variant is uncertain due to the absence of conclusive functional and genetic evidence.